The following is an entry in ClinVar:

NM_004977.3(KCNC3):c.1788G>A (p.Pro596=)

Gene: KCNC3 (potassium voltage-gated channel subfamily C member 3; minus strand). Cytogenetic location: 19q13.33.
Variant type: single nucleotide variant.
Coding change: c.1788G>A on transcript NM_004977.3 (MANE Select); coding-DNA position 1788, G replaced by A.
Protein change: p.Pro596=; no amino-acid change (proline 596 retained).
Molecular consequence: synonymous variant.
Genome position (GRCh38, 1-based): chr19:50,323,165, C>T on the plus strand (G>A on the coding strand, the complement: KCNC3 is on the minus strand). VCF-style: chr19-50323165-C-T. GRCh37 (hg19) VCF-style: chr19-50826422-C-T.
Other names: c.1560G>A, p.Pro520= (NM_001372305.1).
Identifiers: ClinVar variation 2191196 (VCV002191196.6), dbSNP rs764008915, ClinGen allele CA9594169.

ClinVar aggregate classification (germline): Likely benign. Review status: criteria provided, multiple submitters, no conflicts (2 of 4 stars). 2 submissions from 2 submitters: Likely benign (2). Last evaluated 2026-06-01.

Allele frequency attached by ClinVar (database versions not stated): gnomAD 0.00003; TOPMed 0.00005; ExAC 0.00009.
gnomAD v4.1: 39 of 1,514,236 alleles (0.0026%); highest among the groups gnomAD compares: Admixed American, 0.014%; no homozygotes.

Submissions (2):

CeGaT Center for Human Genetics Tuebingen
Classification: Likely benign. Last evaluated: 2026-06-01. Review status: criteria provided, single submitter. Criteria: CeGaT Center For Human Genetics Tuebingen Variant Classification Criteria Version 2. Collection method: clinical testing. Allele origin: germline. Affected: yes. Observed: 2 variant alleles.
Comment: KCNC3: BP4, BP7

Labcorp Genetics (formerly Invitae), Labcorp
Classification: Likely benign. Last evaluated: 2023-03-26. Review status: criteria provided, single submitter. Criteria: Invitae Variant Classification Sherloc (09022015). Collection method: clinical testing. Allele origin: germline.